The following is an entry in ClinVar:

NM_006231.4(POLE):c.5670C>G (p.Ile1890Met)

Gene: POLE (DNA polymerase epsilon, catalytic subunit; minus strand). Cytogenetic location: 12q24.33.
Variant type: single nucleotide variant.
Coding change: c.5670C>G on transcript NM_006231.4 (MANE Select); coding-DNA position 5670, C replaced by G.
Protein change: p.Ile1890Met; replaces isoleucine 1890 with methionine.
Molecular consequence: missense variant.
Genome position (GRCh38, 1-based): chr12:132,638,022, G>C on the plus strand (C>G on the coding strand, the complement: POLE is on the minus strand). VCF-style: chr12-132638022-G-C. GRCh37 (hg19) VCF-style: chr12-133214608-G-C.
Other names: short protein forms I1890M.
Identifiers: ClinVar variation 651015 (VCV000651015.9), dbSNP rs1037020157, ClinGen allele CA387373909.

ClinVar aggregate classification (germline): Uncertain significance. Review status: criteria provided, multiple submitters, no conflicts (2 of 4 stars). 2 submissions from 2 submitters: Uncertain significance (2). Last evaluated 2024-01-24.

Submissions (2):

Blueprint Genetics
Classification: Uncertain significance. Last evaluated: 2024-01-24. Review status: criteria provided, single submitter. Criteria: ACMG Guidelines, 2015. Collection method: clinical testing. Allele origin: germline.

Labcorp Genetics (formerly Invitae), Labcorp
Classification: Uncertain significance. Last evaluated: 2018-08-07. Review status: criteria provided, single submitter. Criteria: Invitae Variant Classification Sherloc (09022015). Collection method: clinical testing. Allele origin: germline.
Comment: In summary, the available evidence is currently insufficient to determine the role of this variant in disease. Therefore, it has been classified as a Variant of Uncertain Significance. Algorithms developed to predict the effect of missense changes on protein structure and function are either unavailable or do not agree on the potential impact of this missense change (SIFT: "Tolerated"; PolyPhen-2: "Possibly Damaging"; Align-GVGD: "Class C0"). This variant has not been reported in the literature in individuals with POLE-related disease. This variant is not present in population databases (ExAC no frequency). This sequence change replaces isoleucine with methionine at codon 1890 of the POLE protein (p.Ile1890Met). The isoleucine residue is highly conserved and there is a small physicochemical difference between isoleucine and methionine.